The following is an entry in ClinVar:

ClinVar aggregate classification (germline): Uncertain significance. Review status: criteria provided, multiple submitters, no conflicts (2 of 4 stars). 2 submissions from 2 submitters: Uncertain significance (2). Last evaluated 2024-11-26.

Conditions:
Landau-Kleffner syndrome (FESD). Also called: EPILEPSY, FOCAL, WITH SPEECH DISORDER AND WITH OR WITHOUT MENTAL RETARDATION; APHASIA, ACQUIRED, WITH EPILEPSY. Identifiers: Orphanet 1945, Orphanet 725, Orphanet 98818, MedGen C0282512, MONDO:0009509, OMIM 245570.

gnomAD v4.1: 2 of 1,610,240 alleles (0.00012%); highest among the groups gnomAD compares: African/African-American, 0.0013%; no homozygotes.

Submissions (2):

GeneDx
Classification: Uncertain significance. Last evaluated: 2024-11-26. Review status: criteria provided, single submitter. Criteria: GeneDx Variant Classification Process June 2021. Collection method: clinical testing. Allele origin: germline. Affected: yes.
Comment: Not observed at significant frequency in large population cohorts (gnomAD); In silico analysis indicates that this variant does not alter splicing; Has not been previously published as pathogenic or benign to our knowledge

Labcorp Genetics (formerly Invitae), Labcorp
Classification: Uncertain significance for Landau-Kleffner syndrome. Last evaluated: 2024-02-09. Review status: criteria provided, single submitter. Criteria: Invitae Variant Classification Sherloc (09022015). Collection method: clinical testing. Allele origin: germline.
Comment: This sequence change falls in intron 6 of the GRIN2A gene. It does not directly change the encoded amino acid sequence of the GRIN2A protein. It affects a nucleotide within the consensus splice site. This variant is not present in population databases (gnomAD no frequency). This variant has not been reported in the literature in individuals affected with GRIN2A-related conditions. Variants that disrupt the consensus splice site are a relatively common cause of aberrant splicing (PMID: 17576681, 9536098). Algorithms developed to predict the effect of sequence changes on RNA splicing suggest that this variant may disrupt the consensus splice site. In summary, the available evidence is currently insufficient to determine the role of this variant in disease. Therefore, it has been classified as a Variant of Uncertain Significance.

Literature cited by the submitters: PubMed 17576681 (cited by Labcorp Genetics (formerly Invitae), Labcorp); PubMed 9536098 (cited by Labcorp Genetics (formerly Invitae), Labcorp).

NM_001134407.3(GRIN2A):c.1328+6T>C

Gene: GRIN2A (glutamate ionotropic receptor NMDA type subunit 2A; minus strand). Cytogenetic location: 16p13.2.
Variant type: single nucleotide variant.
Coding change: c.1328+6T>C on transcript NM_001134407.3 (MANE Select); 6 bases into the intron after coding-DNA position 1328, T replaced by C.
Molecular consequence: intron variant.
Genome position (GRCh38, 1-based): chr16:9,849,750, A>G on the plus strand (T>C on the coding strand, the complement: GRIN2A is on the minus strand). VCF-style: chr16-9849750-A-G. GRCh37 (hg19) VCF-style: chr16-9943607-A-G.
Other names: c.1328+6T>C (NM_001134408.2, NM_000833.5).
Identifiers: ClinVar variation 3668721 (VCV003668721.3).
Genomic context (GRCh38, chr16:9,849,750, plus strand): 5'-CTATCGATGATCCATGCTATTTCAAAGGGTTGGGCACGTTCAGGTGACAGCATTCCTGCC[A>G]CTCACTTGATTTTGACGAACTTCCGACATGGCACGGTGTTCCTCACACACGTCTCGGTCA-3'